The following is an entry in ClinVar:

NM_001256715.2(DNAAF3):c.1062G>C (p.Pro354=)

Genes: DNAAF3 (dynein axonemal assembly factor 3; minus strand), DNAAF3-AS1 (DNAAF3 antisense RNA 1; plus strand). Cytogenetic location: 19q13.42.
Variant type: single nucleotide variant.
Coding change: c.1062G>C on transcript NM_001256715.2 (MANE Select); coding-DNA position 1062, G replaced by C.
Protein change: p.Pro354=; no amino-acid change (proline 354 retained).
Molecular consequence: synonymous variant.
Genome position (GRCh38, 1-based): chr19:55,160,000, C>G on the plus strand (G>C on the coding strand, the complement: DNAAF3 is on the minus strand). VCF-style: chr19-55160000-C-G. GRCh37 (hg19) VCF-style: chr19-55671368-C-G.
Other names: c.1263G>C, p.Pro421= (NM_001256714.1); c.900G>C, p.Pro300= (NM_001256716.2); c.1203G>C, p.Pro401= (NM_178837.4).
Identifiers: ClinVar variation 2650514 (VCV002650514.23), dbSNP rs372843454, ClinGen allele CA508991494.

ClinVar aggregate classification (germline): Likely benign (1 of 4 stars; one submission).

Submission:

CeGaT Center for Human Genetics Tuebingen
Classification: Likely benign. Last evaluated: 2023-07-01. Review status: criteria provided, single submitter. Criteria: CeGaT Center For Human Genetics Tuebingen Variant Classification Criteria Version 2. Collection method: clinical testing. Allele origin: germline. Affected: yes. Observed: 1 variant allele.
Comment: DNAAF3: PM2:Supporting, BP4, BP7